The following is an entry in ClinVar:

ClinVar aggregate classification (germline): Likely benign (1 of 4 stars; one submission).

Conditions:
Junctional epidermolysis bullosa with pyloric atresia. Also called: Epidermolysis bullosa, junctional, with pyloric atresia and aplasia cutis congenita; Epidermolysis bullosa junctionalis with pyloric atresia; EPIDERMOLYSIS BULLOSA, JUNCTIONAL 5B, WITH PYLORIC ATRESIA; APLASIA CUTIS CONGENITA WITH GASTROINTESTINAL ATRESIA; CARMI SYNDROME; EB-PA-ACC. Identifiers: Orphanet 79403, MedGen C5676875, MONDO:0009183, OMIM 226730.

Allele frequency attached by ClinVar (database versions not stated): gnomAD below 0.00001 and 0.00009; TOPMed 0.00003; 1000 Genomes Project 0.00040; 1000 Genomes Project 30x 0.00062.
gnomAD v4.1: 13 of 152,356 alleles (0.0085%); highest among the groups gnomAD compares: South Asian, 0.27%; no homozygotes.

Submission:

Illumina Laboratory Services, Illumina
Classification: Likely benign for Junctional epidermolysis bullosa with pyloric atresia. Last evaluated: 2018-01-13. Review status: criteria provided, single submitter. Criteria: ICSL Variant Classification Criteria 13 December 2019. Collection method: clinical testing. Allele origin: germline.
Comment: This variant was observed in the ICSL laboratory as part of a predisposition screen in an ostensibly healthy population. It had not been previously curated by ICSL or reported in the Human Gene Mutation Database (HGMD: prior to June 1st, 2018), and was therefore a candidate for classification through an automated scoring system. Utilizing variant allele frequency, disease prevalence and penetrance estimates, and inheritance mode, an automated score was calculated to assess if this variant is too frequent to cause the disease. Based on the score and internal cut-off values, a variant classified as likely benign is not then subjected to further curation. The score for this variant resulted in a classification of likely benign for this disease.

NM_000210.4(ITGA6):c.*1339T>A

Genes: ITGA6 (integrin subunit alpha 6; plus strand), PDK1-AS1 (PDK1 and ITGA6 antisense RNA 1; minus strand). Cytogenetic location: 2q31.1.
Variant type: single nucleotide variant.
Coding change: c.*1339T>A on transcript NM_000210.4 (MANE Select); 1339 bases downstream of the stop codon, T replaced by A.
Molecular consequence: 3 prime UTR variant.
Genome position (GRCh38, 1-based): chr2:172,505,407, T>A. VCF-style: chr2-172505407-T-A. GRCh37 (hg19) VCF-style: chr2-173370135-T-A.
Other names: c.*1339T>A (NM_001316306.2, NM_001365530.2); c.*1155T>A (NM_001365529.2, NM_001079818.3).
Identifiers: ClinVar variation 894267 (VCV000894267.4), dbSNP rs565937964, ClinGen allele CA60697428.